The following is an entry in ClinVar:

NM_000238.4(KCNH2):c.1954T>C (p.Tyr652His)

Gene: KCNH2 (potassium voltage-gated channel subfamily H member 2; minus strand). Cytogenetic location: 7q36.1.
Variant type: single nucleotide variant.
Coding change: c.1954T>C on transcript NM_000238.4 (MANE Select); coding-DNA position 1954, T replaced by C.
Protein change: p.Tyr652His; replaces tyrosine 652 with histidine.
Molecular consequence: missense variant.
Genome position (GRCh38, 1-based): chr7:150,951,112, A>G on the plus strand (T>C on the coding strand, the complement: KCNH2 is on the minus strand). VCF-style: chr7-150951112-A-G. GRCh37 (hg19) VCF-style: chr7-150648200-A-G.
Other names: c.934T>C, p.Tyr312His (NM_001204798.2, NM_172057.3); c.1666T>C, p.Tyr556His (NM_001406753.1, NM_001406756.1); c.1777T>C, p.Tyr593His (NM_001406755.1); c.1654T>C, p.Tyr552His (NM_001406757.1); c.1954T>C, p.Tyr652His (NM_172056.3); short protein forms Y312H, Y652H, Y556H, Y552H, Y593H.
Identifiers: ClinVar variation 1467449 (VCV001467449.9), dbSNP rs2116956522, ClinGen allele CA369857772.

ClinVar aggregate classification (germline): Uncertain significance (1 of 4 stars; one submission).

Conditions:
Long QT syndrome (LQTS). Identifiers: MedGen C0023976, MeSH D008133, MONDO:0002442. Disease mechanism: loss of function. Inheritance: Various modes of inheritance.

Submission:

Labcorp Genetics (formerly Invitae), Labcorp
Classification: Uncertain significance for Long QT syndrome. Last evaluated: 2021-01-12. Review status: criteria provided, single submitter. Criteria: Invitae Variant Classification Sherloc (09022015). Collection method: clinical testing. Allele origin: germline.
Comment: This sequence change replaces tyrosine with histidine at codon 652 of the KCNH2 protein (p.Tyr652His). The tyrosine residue is highly conserved and there is a moderate physicochemical difference between tyrosine and histidine. In summary, the available evidence is currently insufficient to determine the role of this variant in disease. Therefore, it has been classified as a Variant of Uncertain Significance. Algorithms developed to predict the effect of missense changes on protein structure and function (SIFT, PolyPhen-2, Align-GVGD) all suggest that this variant is likely to be disruptive, but these predictions have not been confirmed by published functional studies and their clinical significance is uncertain. This variant has been observed in individual(s) with clinical features of long QT syndrome (Invitae). This variant is not present in population databases (ExAC no frequency).